The following is an entry in ClinVar:

NM_001277115.2(DNAH11):c.4004A>C (p.Tyr1335Ser)

Gene: DNAH11 (dynein axonemal heavy chain 11; plus strand). Cytogenetic location: 7p15.3.
Variant type: single nucleotide variant.
Coding change: c.4004A>C on transcript NM_001277115.2 (MANE Select); coding-DNA position 4004, A replaced by C.
Protein change: p.Tyr1335Ser; replaces tyrosine 1335 with serine.
Molecular consequence: missense variant.
Genome position (GRCh38, 1-based): chr7:21,615,265, A>C. VCF-style: chr7-21615265-A-C. GRCh37 (hg19) VCF-style: chr7-21654883-A-C.
Other names: short protein forms Y1335S.
Identifiers: ClinVar variation 3347012 (VCV003347012.1).

ClinVar aggregate classification (germline): Uncertain significance (0 of 4 stars; one submission).

Conditions:
DNAH11-related disorder. Also called: DNAH11-related condition.

Submission:

PreventionGenetics, part of Exact Sciences
Classification: Uncertain significance for DNAH11-related condition. Last evaluated: 2024-08-30. Review status: no assertion criteria provided. Collection method: clinical testing. Allele origin: germline.
Comment: The DNAH11 c.4004A>C variant is predicted to result in the amino acid substitution p.Tyr1335Ser. To our knowledge, this variant has not been reported in the literature or in a large population database, indicating this variant is rare. At this time, the clinical significance of this variant is uncertain due to the absence of conclusive functional and genetic evidence.